The following is an entry in ClinVar:

ClinVar aggregate classification (germline): Pathogenic (1 of 4 stars; one submission).

Conditions:
Mandibulofacial dysostosis-microcephaly syndrome (MFDGA). Also called: Mandibulofacial dysostosis, Guion-Almeida type; Growth and mental retardation, mandibulofacial dysostosis, microcephaly, and cleft palate. Identifiers: Orphanet 79113, MedGen C1864652, MONDO:0012516, OMIM 610536.

Submission:

Laboratorio de Biologia Molecular/Medicina Genomica - IFF/Fiocruz, Instituto Fernandes Figueira, Fundacao Oswaldo Cruz
Classification: Pathogenic for Mandibulofacial dysostosis, Guion-Almeida type. Last evaluated: 2025-07-04. Review status: criteria provided, single submitter. Criteria: ACMG Guidelines, 2015. Collection method: clinical testing. Allele origin: germline. Affected: yes. Observed: 1 variant allele.
Comment: Variant: c.469delT (p.Ile157SerfsTer23) in exon 6 of the EFTUD2 gene. Protein effect: Frameshift variant predicted to result in nonsense-mediated mRNA decay (NMD) in a gene where loss of function is a known disease mechanism. Population data: Not observed in population databases (gnomAD, aBraOM) and not previously reported in the literature. Segregation/compound data: Internal segregation analysis, without confirmation of paternity, suggests that this variant was de novo. ACMG/AMP criteria applied: PVS1, PM2_Supporting, PM6, following ClinGen SVI recommendations.

NM_004247.4(EFTUD2):c.469del (p.Ile157fs)

Gene: EFTUD2 (elongation factor Tu GTP binding domain containing 2; minus strand). Cytogenetic location: 17q21.31.
Variant type: Deletion.
Coding change: c.469del on transcript NM_004247.4 (MANE Select); coding-DNA position 469, one base deleted (A; older notation c.469delA).
Protein change: p.Ile157fs; shifts the reading frame from isoleucine 157.
Molecular consequence: frameshift variant.
Genome position (GRCh38, 1-based): chr17:44,883,116, T deleted on the plus strand (A on the coding strand, the reverse complement: EFTUD2 is on the minus strand); the first of 3 consecutive T bases (chr17:44,883,116-44,883,118); deleting any one gives the same sequence. VCF-style (leftmost placement, unchanged base first): chr17-44883115-AT-A. GRCh37 (hg19) VCF-style: chr17-42960483-AT-A.
Other names: c.364del, p.Ile122fs (NM_001142605.2); c.469del, p.Ile157fs (NM_001258353.2); c.439del, p.Ile147fs (NM_001258354.2); short protein forms I122fs, I147fs, I157fs.
Identifiers: ClinVar variation 4294350 (VCV004294350.1).